The following is an entry in ClinVar:

ClinVar aggregate classification (germline): Uncertain significance (1 of 4 stars; one submission).

Conditions:
EGFR-related lung cancer (EGFR). Identifiers: MedGen CN130014.

Allele frequency attached by ClinVar (database versions not stated): gnomAD 0.00001; ExAC 0.00002.
gnomAD v4.1: 1 of 1,614,082 alleles (0.000062%); highest among the groups gnomAD compares: Non-Finnish European, 0.000085%; no homozygotes.

Submission:

Labcorp Genetics (formerly Invitae), Labcorp
Classification: Uncertain significance for EGFR-related lung cancer. Last evaluated: 2024-11-25. Review status: criteria provided, single submitter. Criteria: Invitae Variant Classification Sherloc (09022015). Collection method: clinical testing. Allele origin: germline.
Comment: This sequence change replaces glutamine, which is neutral and polar, with arginine, which is basic and polar, at codon 32 of the EGFR protein (p.Gln32Arg). This variant is present in population databases (rs746023542, gnomAD 0.002%). This variant has not been reported in the literature in individuals affected with EGFR-related conditions. ClinVar contains an entry for this variant (Variation ID: 2413830). An algorithm developed to predict the effect of missense changes on protein structure and function (PolyPhen-2) suggests that this variant is likely to be tolerated. In summary, the available evidence is currently insufficient to determine the role of this variant in disease. Therefore, it has been classified as a Variant of Uncertain Significance.

NM_005228.5(EGFR):c.95A>G (p.Gln32Arg)

Gene: EGFR (epidermal growth factor receptor; plus strand). Cytogenetic location: 7p11.2.
Variant type: single nucleotide variant.
Coding change: c.95A>G on transcript NM_005228.5 (MANE Select); coding-DNA position 95, A replaced by G.
Protein change: p.Gln32Arg; replaces glutamine 32 with arginine.
Molecular consequence: missense variant. On other transcripts: 5 prime UTR variant (1), intron variant (1).
Genome position (GRCh38, 1-based): chr7:55,142,292, A>G. VCF-style: chr7-55142292-A-G. GRCh37 (hg19) VCF-style: chr7-55209985-A-G.
Other names: c.95A>G, p.Gln32Arg (NM_001346897.2, NM_001346898.2, NM_001346899.2 and 3 more transcripts); c.-65A>G (NM_001346900.2); c.89-13538A>G (NM_001346941.2); short protein forms Q32R.
Identifiers: ClinVar variation 2413830 (VCV002413830.5), dbSNP rs746023542, ClinGen allele CA4265135.